The following is an entry in ClinVar:

NM_013276.4(SHPK):c.244C>T (p.Arg82Trp)

Gene: SHPK (sedoheptulokinase; minus strand). Cytogenetic location: 17p13.2.
Variant type: single nucleotide variant.
Coding change: c.244C>T on transcript NM_013276.4 (MANE Select); coding-DNA position 244, C replaced by T.
Protein change: p.Arg82Trp; replaces arginine 82 with tryptophan.
Molecular consequence: missense variant.
Genome position (GRCh38, 1-based): chr17:3,630,271, G>A on the plus strand (C>T on the coding strand, the complement: SHPK is on the minus strand). VCF-style: chr17-3630271-G-A. GRCh37 (hg19) VCF-style: chr17-3533565-G-A.
Other names: c.244C>T (NM_013276.2); short protein forms R82W.
Identifiers: ClinVar variation 1428174 (VCV001428174.8), dbSNP rs372157211, ClinGen allele CA8291403.

ClinVar aggregate classification (germline): Uncertain significance. Review status: criteria provided, multiple submitters, no conflicts (2 of 4 stars). 2 submissions from 2 submitters: Uncertain significance (2). Last evaluated 2026-01-12.

Allele frequency attached by ClinVar (database versions not stated): TOPMed 0.00002; ExAC 0.00003; gnomAD exomes 0.00004 and 0.00005; gnomAD 0.00005 and 0.00006.
gnomAD v4.1: 64 of 1,613,644 alleles (0.004%); highest among the groups gnomAD compares: Middle Eastern, 0.033%; no homozygotes.

Submissions (2):

Labcorp Genetics (formerly Invitae), Labcorp
Classification: Uncertain significance. Last evaluated: 2026-01-12. Review status: criteria provided, single submitter. Criteria: Invitae Variant Classification Sherloc (09022015). Collection method: clinical testing. Allele origin: germline.
Comment: This sequence change replaces arginine, which is basic and polar, with tryptophan, which is neutral and slightly polar, at codon 82 of the SHPK protein (p.Arg82Trp). This variant is present in population databases (rs372157211, gnomAD 0.03%). This variant has not been reported in the literature in individuals affected with SHPK-related conditions. ClinVar contains an entry for this variant (Variation ID: 1428174). An algorithm developed to predict the effect of missense changes on protein structure and function (PolyPhen-2) suggests that this variant is likely to be tolerated. In summary, the available evidence is currently insufficient to determine the role of this variant in disease. Therefore, it has been classified as a Variant of Uncertain Significance.

Ambry Genetics
Classification: Uncertain significance. Last evaluated: 2025-10-24. Review status: criteria provided, single submitter. Criteria: Ambry Variant Classification Scheme 2023. Collection method: clinical testing. Allele origin: germline.